The following is an entry in ClinVar:

NM_004385.5(VCAN):c.1045A>G (p.Lys349Glu)

Gene: VCAN (versican; plus strand). Cytogenetic location: 5q14.3.
Variant type: single nucleotide variant.
Coding change: c.1045A>G on transcript NM_004385.5 (MANE Select); coding-DNA position 1045, A replaced by G.
Protein change: p.Lys349Glu; replaces lysine 349 with glutamic acid.
Molecular consequence: missense variant. On other transcripts: intron variant (2).
Genome position (GRCh38, 1-based): chr5:83,519,351, A>G. VCF-style: chr5-83519351-A-G. GRCh37 (hg19) VCF-style: chr5-82815170-A-G.
Other names: c.1045A>G, p.Lys349Glu (NM_001164098.2); c.1042+6955A>G (NM_001164097.2, NM_001126336.3); short protein forms K349E.
Identifiers: ClinVar variation 354396 (VCV000354396.15), dbSNP rs61749613, ClinGen allele CA3332601.

ClinVar aggregate classification (germline): Benign/Likely benign. Review status: criteria provided, multiple submitters, no conflicts (2 of 4 stars). 3 submissions from 3 submitters: Benign (2); Likely benign (1). Last evaluated 2026-02-03.

Conditions:
Vitreoretinopathy. Also called: Vitreoretinal degeneration. Identifiers: MedGen C0344290, MONDO:0020248, HP:0007773.

Allele frequency attached by ClinVar (database versions not stated): 1000 Genomes Project 0.01997; 1000 Genomes Project 30x 0.01999; gnomAD 0.02753 and 0.02772; TOPMed 0.02831; ESP Exome Variant Server 0.03062; gnomAD exomes 0.03063 and 0.03780; ExAC 0.03150.
gnomAD v4.1: 59,308 of 1,613,518 alleles (3.7%); highest among the groups gnomAD compares: Middle Eastern, 6%; 1,303 homozygotes.

Submissions (3):

Labcorp Genetics (formerly Invitae), Labcorp
Classification: Benign. Last evaluated: 2026-02-03. Review status: criteria provided, single submitter. Criteria: Invitae Variant Classification Sherloc (09022015). Collection method: clinical testing. Allele origin: germline.

Blueprint Genetics
Classification: Likely benign. Last evaluated: 2024-11-26. Review status: criteria provided, single submitter. Criteria: ACMG Guidelines, 2015. Collection method: clinical testing. Allele origin: germline.

Illumina Laboratory Services, Illumina
Classification: Benign for Vitreoretinopathy. Last evaluated: 2018-01-12. Review status: criteria provided, single submitter. Criteria: ICSL Variant Classification Criteria 13 December 2019. Collection method: clinical testing. Allele origin: germline.
Comment: This variant was observed in the ICSL laboratory as part of a predisposition screen in an ostensibly healthy population. It had not been previously curated by ICSL or reported in the Human Gene Mutation Database (HGMD: prior to June 1st, 2018), and was therefore a candidate for classification through an automated scoring system. Utilizing variant allele frequency, disease prevalence and penetrance estimates, and inheritance mode, an automated score was calculated to assess if this variant is too frequent to cause the disease. Based on the score and internal cut-off values, a variant classified as benign is not then subjected to further curation. The score for this variant resulted in a classification of benign for this disease.